The following is an entry in ClinVar:

NM_000116.5(TAFAZZIN):c.517del (p.Asp173fs)

Gene: TAFAZZIN (tafazzin, phospholipid-lysophospholipid transacylase; plus strand). Cytogenetic location: Xq28.
Variant type: Deletion.
Coding change: c.517del on transcript NM_000116.5 (MANE Select); coding-DNA position 517, one base deleted (G; older notation c.517delG).
Protein change: p.Asp173fs; shifts the reading frame from aspartic acid 173.
Molecular consequence: frameshift variant. On other transcripts: non-coding transcript variant (1).
Genome position (GRCh38, 1-based): chrX:154,419,599, G deleted; the last of 4 consecutive G bases (chrX:154,419,596-154,419,599); deleting any one gives the same sequence. VCF-style (leftmost placement, unchanged base first): chrX-154419595-TG-T. GRCh37 (hg19) VCF-style: chrX-153647934-TG-T.
Other names: c.517delG (NM_000116.5); c.571del, p.Asp191fs (NM_001303465.2); c.481delG, p.Asp161Thrfs (NM_001410698.1); c.427del, p.Asp143fs (NM_181311.4, NM_181313.4); c.517del, p.Asp173fs (NM_181312.4); short protein forms D143fs, D173fs, D191fs.
Identifiers: ClinVar variation 1704478 (VCV001704478.3), dbSNP rs2522985246, ClinGen allele CA2580101817.

ClinVar aggregate classification (germline): Pathogenic. Review status: criteria provided, multiple submitters, no conflicts (2 of 4 stars). 2 submissions from 2 submitters: Pathogenic (2). Last evaluated 2022-07-14.

Conditions:
3-Methylglutaconic aciduria type 2 (BTHS). Also called: Barth syndrome; CARDIOSKELETAL MYOPATHY WITH NEUTROPENIA AND ABNORMAL MITOCHONDRIA. Identifiers: Orphanet 111, MedGen C0574083, MONDO:0010543, OMIM 302060.

Submissions (2):

Women's Health and Genetics/Laboratory Corporation of America, LabCorp
Classification: Pathogenic for 3-Methylglutaconic aciduria type 2. Last evaluated: 2022-07-14. Review status: criteria provided, single submitter. Criteria: LabCorp Variant Classification Summary - May 2015. Collection method: clinical testing. Allele origin: germline.
Comment: Variant summary: TAZ (also known as TAFAZZIN) c.517delG/p.Asp173ThrfsX11 results in a premature termination codon, predicted to cause a truncation of the encoded protein or absence of the protein due to nonsense mediated decay, which are commonly known mechanisms for disease. A truncation downstream of this position has been classified as pathogenic by our laboratory. The variant was absent in 183495 control chromosomes (gnomAD). c.517delG has been reported in the literature in multiple hemizygous individuals affected with Barth Syndrome (example, Gonzalez_2005, Kirwin_2013, Wang_2014, Guo_2020). These data indicate that the variant is very likely associated with disease. To our knowledge, no experimental evidence demonstrating an impact on protein function has been reported. No clinical diagnostic laboratories have submitted clinical-significance assessments for this variant to ClinVar after 2014. Based on the evidence outlined above, the variant was classified as pathogenic.

Molecular Diagnostics Lab, Nemours Children's Health, Delaware
Classification: Pathogenic for 3-Methylglutaconic aciduria type 2. Last evaluated: 2020-08-14. Review status: criteria provided, single submitter. Criteria: ACMG Guidelines, 2015. Collection method: clinical testing. Allele origin: maternal, unknown. Inheritance: X-linked inheritance. Affected: yes and no. Observed: 5 heterozygotes, 1 hemizygote.

Literature cited by the submitters: PubMed 15793838 (cited by Women's Health and Genetics/Laboratory Corporation of America, LabCorp and Molecular Diagnostics Lab, Nemours Children's Health, Delaware); PubMed 24342716 (cited by Women's Health and Genetics/Laboratory Corporation of America, LabCorp and Molecular Diagnostics Lab, Nemours Children's Health, Delaware); PubMed 32619718 (cited by Women's Health and Genetics/Laboratory Corporation of America, LabCorp); PubMed 24813252 (cited by Women's Health and Genetics/Laboratory Corporation of America, LabCorp); PubMed 14662265 (cited by Molecular Diagnostics Lab, Nemours Children's Health, Delaware).